The following is an entry in ClinVar:

ClinVar aggregate classification (germline): Conflicting classifications of pathogenicity. Review status: criteria provided, conflicting classifications (1 of 4 stars). 3 submissions from 3 submitters: Uncertain significance (1); Likely benign (1). 1 of the submissions does not count toward it. Last evaluated 2026-01-11.

Conditions:
Inborn genetic diseases. Identifiers: MedGen C0950123, MeSH D030342.
HES7-related disorder. Also called: HES7-related condition.

Allele frequency attached by ClinVar (database versions not stated): TOPMed 0.00043; 1000 Genomes Project 30x 0.00047; ESP Exome Variant Server 0.00065; gnomAD 0.00076; gnomAD exomes 0.00083; ExAC 0.00101.
gnomAD v4.1: 1,247 of 1,570,934 alleles (0.079%); highest among the groups gnomAD compares: Non-Finnish European, 0.075%; 1 homozygote.

Submissions (3):

Labcorp Genetics (formerly Invitae), Labcorp
Classification: Likely benign. Last evaluated: 2026-01-11. Review status: criteria provided, single submitter. Criteria: Invitae Variant Classification Sherloc (09022015). Collection method: clinical testing. Allele origin: germline.

Ambry Genetics
Classification: Uncertain significance for Inborn genetic diseases. Last evaluated: 2024-01-19. Review status: criteria provided, single submitter. Criteria: Ambry Variant Classification Scheme 2023. Collection method: clinical testing. Allele origin: germline.

PreventionGenetics, part of Exact Sciences
Classification: Likely benign for HES7-related condition. Last evaluated: 2019-06-05. Review status: no assertion criteria provided. Collection method: clinical testing. Allele origin: germline. Not counted in ClinVar's aggregate classification.
Comment: This variant is classified as likely benign based on ACMG/AMP sequence variant interpretation guidelines (Richards et al. 2015 PMID: 25741868, with internal and published modifications).

NM_001165967.2(HES7):c.395G>T (p.Arg132Leu)

Gene: HES7 (hes family bHLH transcription factor 7; minus strand). Cytogenetic location: 17p13.1.
Variant type: single nucleotide variant.
Coding change: c.395G>T on transcript NM_001165967.2 (MANE Select); coding-DNA position 395, G replaced by T.
Protein change: p.Arg132Leu; replaces arginine 132 with leucine.
Molecular consequence: missense variant.
Genome position (GRCh38, 1-based): chr17:8,121,869, C>A on the plus strand (G>T on the coding strand, the complement: HES7 is on the minus strand). VCF-style: chr17-8121869-C-A. GRCh37 (hg19) VCF-style: chr17-8025187-C-A.
Other names: c.380G>T, p.Arg127Leu (NM_032580.4); short protein forms R127L, R132L.
Identifiers: ClinVar variation 739141 (VCV000739141.12), dbSNP rs201278621, ClinGen allele CA8368646.